The following is an entry in ClinVar:

NM_001127644.2(GABRA1):c.413A>G (p.Asn138Ser)

Gene: GABRA1 (gamma-aminobutyric acid type A receptor subunit alpha1; plus strand). Cytogenetic location: 5q34.
Variant type: single nucleotide variant.
Coding change: c.413A>G on transcript NM_001127644.2 (MANE Select); coding-DNA position 413, A replaced by G.
Protein change: p.Asn138Ser; replaces asparagine 138 with serine.
Molecular consequence: missense variant.
Genome position (GRCh38, 1-based): chr5:161,873,274, A>G. VCF-style: chr5-161873274-A-G. GRCh37 (hg19) VCF-style: chr5-161300280-A-G.
Other names: c.413A>G, p.Asn138Ser (NM_000806.5, NM_001127643.2, NM_001127645.2 and 1 more transcripts); short protein forms N138S.
Identifiers: ClinVar variation 2949206 (VCV002949206.4), dbSNP rs1416596044, ClinGen allele CA362179027.
Genomic context (GRCh38, chr5:161,873,274, plus strand): 5'-CAAGTAAAATCTGGACTCCGGACACATTTTTCCACAATGGAAAGAAGTCAGTGGCCCACA[A>G]CATGACCATGCCCAACAAACTCCTGCGGATCACAGAGGATGGCACCTTGCTGTACACCAT-3'
Protein context (NP_001121116.1, residues 128-148): FHNGKKSVAH[Asn138Ser]MTMPNKLLRI

ClinVar aggregate classification (germline): Uncertain significance. Review status: criteria provided, multiple submitters, no conflicts (2 of 4 stars). 2 submissions from 2 submitters: Uncertain significance (2). Last evaluated 2025-02-07.

Conditions:
Idiopathic generalized epilepsy. Also called: EIG; Generalised epilepsy. Identifiers: MedGen C0270850, MONDO:0005579, OMIM 600669.
Epilepsy, idiopathic generalized, susceptibility to, 13. Also called: EPILEPSY, JUVENILE MYOCLONIC, SUSCEPTIBILITY TO, 5. Identifiers: Orphanet 307, Orphanet 64280, MedGen C4013473, MONDO:0012627, OMIM 611136.
Epilepsy, childhood absence 4 (ECA4). Also called: EPILEPSY, CHILDHOOD ABSENCE, SUSCEPTIBILITY TO, 4. Identifiers: Orphanet 307, MedGen C1970160.

Submissions (2):

GeneDx
Classification: Uncertain significance. Last evaluated: 2025-02-07. Review status: criteria provided, single submitter. Criteria: GeneDx Variant Classification Process June 2021. Collection method: clinical testing. Allele origin: germline. Affected: yes.
Comment: Not observed at significant frequency in large population cohorts (gnomAD); In silico analysis supports that this missense variant has a deleterious effect on protein structure/function; Has not been previously published as pathogenic or benign to our knowledge

Labcorp Genetics (formerly Invitae), Labcorp
Classification: Uncertain significance for Epilepsy, childhood absence 4; Epilepsy, idiopathic generalized, susceptibility to, 13; Idiopathic generalized epilepsy. Last evaluated: 2023-06-23. Review status: criteria provided, single submitter. Criteria: Invitae Variant Classification Sherloc (09022015). Collection method: clinical testing. Allele origin: germline.
Comment: Advanced modeling of protein sequence and biophysical properties (such as structural, functional, and spatial information, amino acid conservation, physicochemical variation, residue mobility, and thermodynamic stability) has been performed at Invitae for this missense variant, however the output from this modeling did not meet the statistical confidence thresholds required to predict the impact of this variant on GABRA1 protein function. This variant has not been reported in the literature in individuals affected with GABRA1-related conditions. This variant is not present in population databases (gnomAD no frequency). This sequence change replaces asparagine, which is neutral and polar, with serine, which is neutral and polar, at codon 138 of the GABRA1 protein (p.Asn138Ser). In summary, the available evidence is currently insufficient to determine the role of this variant in disease. Therefore, it has been classified as a Variant of Uncertain Significance.